The following is an entry in ClinVar:

NM_182895.5(SCARF2):c.1982C>G (p.Thr661Ser)

Gene: SCARF2 (scavenger receptor class F member 2; minus strand). Cytogenetic location: 22q11.21.
Variant type: single nucleotide variant.
Coding change: c.1982C>G on transcript NM_182895.5 (MANE Select); coding-DNA position 1982, C replaced by G.
Protein change: p.Thr661Ser; replaces threonine 661 with serine.
Molecular consequence: missense variant.
Genome position (GRCh38, 1-based): chr22:20,425,994, G>C on the plus strand (C>G on the coding strand, the complement: SCARF2 is on the minus strand). VCF-style: chr22-20425994-G-C. GRCh37 (hg19) VCF-style: chr22-20780281-G-C.
Other names: c.1997C>G, p.Thr666Ser (NM_153334.7); short protein forms T666S, T661S.
Identifiers: ClinVar variation 1913841 (VCV001913841.5), dbSNP rs2517416848, ClinGen allele CA410740022.

ClinVar aggregate classification (germline): Uncertain significance (1 of 4 stars; one submission).

gnomAD v4.1: 2 of 1,586,436 alleles (0.00013%); no homozygotes.

Submission:

Labcorp Genetics (formerly Invitae), Labcorp
Classification: Uncertain significance. Last evaluated: 2022-02-22. Review status: criteria provided, single submitter. Criteria: Invitae Variant Classification Sherloc (09022015). Collection method: clinical testing. Allele origin: germline.
Comment: This variant is not present in population databases (gnomAD no frequency). In summary, the available evidence is currently insufficient to determine the role of this variant in disease. Therefore, it has been classified as a Variant of Uncertain Significance. Algorithms developed to predict the effect of missense changes on protein structure and function are either unavailable or do not agree on the potential impact of this missense change (SIFT: "Tolerated"; PolyPhen-2: "Probably Damaging"; Align-GVGD: "Class C0"). This variant has not been reported in the literature in individuals affected with SCARF2-related conditions. This sequence change replaces threonine, which is neutral and polar, with serine, which is neutral and polar, at codon 666 of the SCARF2 protein (p.Thr666Ser).